The following is an entry in ClinVar:

NM_138477.4(CDAN1):c.2735C>T (p.Ala912Val)

Gene: CDAN1 (codanin 1; minus strand). Cytogenetic location: 15q15.2.
Variant type: single nucleotide variant.
Coding change: c.2735C>T on transcript NM_138477.4 (MANE Select); coding-DNA position 2735, C replaced by T.
Protein change: p.Ala912Val; replaces alanine 912 with valine.
Molecular consequence: missense variant.
Genome position (GRCh38, 1-based): chr15:42,728,721, G>A on the plus strand (C>T on the coding strand, the complement: CDAN1 is on the minus strand). VCF-style: chr15-42728721-G-A. GRCh37 (hg19) VCF-style: chr15-43020919-G-A.
Other names: p.Ala912Val; c.2735C>T (NM_138477.2); short protein forms A912V.
Identifiers: ClinVar variation 995638 (VCV000995638.19), dbSNP rs143086237, ClinGen allele CA7515488.

ClinVar aggregate classification (germline): Conflicting classifications of pathogenicity. Review status: criteria provided, conflicting classifications (1 of 4 stars). 5 submissions from 5 submitters: Uncertain significance (3); Likely benign (1). 1 of the submissions does not count toward it. Last evaluated 2025-12-20.

Conditions:
CDAN1-related disorder. Also called: CDAN1-related condition.
Anemia, congenital dyserythropoietic, type 1a (CDAN1A). Also called: DYSERYTHROPOIETIC ANEMIA, CONGENITAL, TYPE Ia; CDAN1-Related Congenital Dyserythropoietic Anemia. Identifiers: MedGen C5574667, MONDO:0009135, OMIM 224120.

Allele frequency attached by ClinVar (database versions not stated): gnomAD exomes 0.00010; gnomAD 0.00123 and 0.00130; TOPMed 0.00132; ESP Exome Variant Server 0.00177; 1000 Genomes Project 0.00180; 1000 Genomes Project 30x 0.00203.
gnomAD v4.1: 337 of 1,614,196 alleles (0.021%); highest among the groups gnomAD compares: African/African-American, 0.4%; 1 homozygote.

Submissions (5):

Labcorp Genetics (formerly Invitae), Labcorp
Classification: Likely benign. Last evaluated: 2025-12-20. Review status: criteria provided, single submitter. Criteria: Invitae Variant Classification Sherloc (09022015). Collection method: clinical testing. Allele origin: germline.

GeneDx
Classification: Uncertain significance. Last evaluated: 2025-05-06. Review status: criteria provided, single submitter. Criteria: GeneDx Variant Classification Process June 2021. Collection method: clinical testing. Allele origin: germline. Affected: yes.
Comment: In silico analysis suggests that this missense variant does not alter protein structure/function; Has not been previously published as pathogenic or benign to our knowledge

ARUP Laboratories, Molecular Genetics and Genomics, ARUP Laboratories
Classification: Uncertain significance for Anemia, congenital dyserythropoietic, type 1a. Last evaluated: 2024-12-03. Review status: criteria provided, single submitter. Criteria: ARUP Molecular Germline Variant Investigation Process 2024. Collection method: clinical testing. Allele origin: germline.
Comment: The CDAN1 c.2735C>T; p.Ala912Val variant (rs143086237), to our knowledge, is not reported in the medical literature but is reported in ClinVar (Variation ID: 995638). This variant is found primarily in the African/African-American population with an allele frequency of 0.34% (94/24,906 alleles) in the Genome Aggregation Database (v2.1.1). Computational analyses are uncertain whether this variant is neutral or deleterious (REVEL: 0.23). Due to limited information, the clinical significance of this variant is uncertain at this time.

Mayo Clinic Laboratories, Mayo Clinic
Classification: Uncertain significance. Last evaluated: 2022-12-01. Review status: criteria provided, single submitter. Criteria: ACMG Guidelines, 2015. Collection method: clinical testing. Allele origin: germline. Observed: 1 variant allele.
Comment: BP4_strong

PreventionGenetics, part of Exact Sciences
Classification: Likely benign for CDAN1-related condition. Last evaluated: 2023-10-19. Review status: no assertion criteria provided. Collection method: clinical testing. Allele origin: germline. Not counted in ClinVar's aggregate classification.
Comment: This variant is classified as likely benign based on ACMG/AMP sequence variant interpretation guidelines (Richards et al. 2015 PMID: 25741868, with internal and published modifications).